The following is an entry in ClinVar:

ClinVar aggregate classification (germline): Uncertain significance (1 of 4 stars; one submission).

Conditions:
Congenital myasthenic syndrome 8. Also called: MYASTHENIC SYNDROME, CONGENITAL, DUE TO AGRIN DEFICIENCY; Myasthenic syndrome, congenital, 8, with pre- and postsynaptic defects. Identifiers: Orphanet 590, MedGen C3808739, MONDO:0014052, OMIM 615120.

Allele frequency attached by ClinVar (database versions not stated): gnomAD exomes 0.00002; gnomAD 0.00001; ExAC 0.00002; TOPMed 0.00002.
gnomAD v4.1: 13 of 1,611,336 alleles (0.00081%); highest among the groups gnomAD compares: East Asian, 0.0045%; no homozygotes.

Submission:

Labcorp Genetics (formerly Invitae), Labcorp
Classification: Uncertain significance for Myasthenic syndrome, congenital, 8. Last evaluated: 2019-04-22. Review status: criteria provided, single submitter. Criteria: Invitae Variant Classification Sherloc (09022015). Collection method: clinical testing. Allele origin: germline.
Comment: This sequence change replaces alanine with threonine at codon 615 of the AGRN protein (p.Ala615Thr). The alanine residue is moderately conserved and there is a small physicochemical difference between alanine and threonine. This variant is present in population databases (rs762357955, ExAC 0.01%). This variant has not been reported in the literature in individuals with AGRN-related conditions. Algorithms developed to predict the effect of missense changes on protein structure and function are either unavailable or do not agree on the potential impact of this missense change (SIFT: "Tolerated"; PolyPhen-2: "Possibly Damaging"; Align-GVGD: "Class C0"). In summary, the available evidence is currently insufficient to determine the role of this variant in disease. Therefore, it has been classified as a Variant of Uncertain Significance.

NM_198576.4(AGRN):c.1843G>A (p.Ala615Thr)

Gene: AGRN (agrin; plus strand). Cytogenetic location: 1p36.33.
Variant type: single nucleotide variant.
Coding change: c.1843G>A on transcript NM_198576.4 (MANE Select); coding-DNA position 1843, G replaced by A.
Protein change: p.Ala615Thr; replaces alanine 615 with threonine.
Molecular consequence: missense variant.
Genome position (GRCh38, 1-based): chr1:1,043,867, G>A. VCF-style: chr1-1043867-G-A. GRCh37 (hg19) VCF-style: chr1-979247-G-A.
Other names: c.1843G>A, p.Ala615Thr (NM_001305275.2); c.1528G>A, p.Ala510Thr (NM_001364727.2); short protein forms A510T, A615T.
Identifiers: ClinVar variation 845218 (VCV000845218.1), dbSNP rs762357955, ClinGen allele CA508356.
Genomic context (GRCh38, chr1:1,043,867, plus strand): 5'-GCTCTGTCTCCTGCAGAGACCTGTGGAGATGCCGTGTGTGCTTTTGGGGCTGTGTGCTCC[G>A]CAGGGCAGTGTGTGTGTCCCCGGTGTGAGCACCCCCCGCCCGGCCCCGTGTGTGGCAGCG-3'
Protein context (NP_940978.2, residues 605-625): AVCAFGAVCS[Ala615Thr]GQCVCPRCEH